The following is an entry in ClinVar:

NM_198576.4(AGRN):c.3517C>T (p.Leu1173=)

Gene: AGRN (agrin; plus strand). Cytogenetic location: 1p36.33.
Variant type: single nucleotide variant.
Coding change: c.3517C>T on transcript NM_198576.4 (MANE Select); coding-DNA position 3517, C replaced by T.
Protein change: p.Leu1173=; no amino-acid change (leucine 1173 retained).
Molecular consequence: synonymous variant.
Genome position (GRCh38, 1-based): chr1:1,047,573, C>T. VCF-style: chr1-1047573-C-T. GRCh37 (hg19) VCF-style: chr1-982953-C-T.
Other names: c.3517C>T, p.Leu1173= (NM_001305275.2); c.3202C>T, p.Leu1068= (NM_001364727.2).
Identifiers: ClinVar variation 1507729 (VCV001507729.6), dbSNP rs756576195, ClinGen allele CA509124.

ClinVar aggregate classification (germline): Uncertain significance (1 of 4 stars; one submission).

Conditions:
Congenital myasthenic syndrome 8. Also called: Myasthenic syndrome, congenital, 8, with pre- and postsynaptic defects; MYASTHENIC SYNDROME, CONGENITAL, DUE TO AGRIN DEFICIENCY. Identifiers: Orphanet 590, MedGen C3808739, MONDO:0014052, OMIM 615120.

Allele frequency attached by ClinVar (database versions not stated): ExAC 0.00001; gnomAD exomes 0.00001.
gnomAD v4.1: 11 of 1,612,934 alleles (0.00068%); highest among the groups gnomAD compares: Non-Finnish European, 0.00093%; no homozygotes.

Submission:

Labcorp Genetics (formerly Invitae), Labcorp
Classification: Uncertain significance for Congenital myasthenic syndrome 8. Last evaluated: 2022-11-08. Review status: criteria provided, single submitter. Criteria: Invitae Variant Classification Sherloc (09022015). Collection method: clinical testing. Allele origin: germline.
Comment: This variant is present in population databases (rs756576195, gnomAD 0.003%). In summary, the available evidence is currently insufficient to determine the role of this variant in disease. Therefore, it has been classified as a Variant of Uncertain Significance. Algorithms developed to predict the effect of sequence changes on RNA splicing suggest that this variant is not likely to affect RNA splicing. ClinVar contains an entry for this variant (Variation ID: 1507729). This variant has not been reported in the literature in individuals affected with AGRN-related conditions. This sequence change affects codon 1173 of the AGRN mRNA. It is a 'silent' change, meaning that it does not change the encoded amino acid sequence of the AGRN protein. It affects a nucleotide within the consensus splice site.